The following is an entry in ClinVar:

ClinVar aggregate classification (germline): Pathogenic (1 of 4 stars; one submission).

Conditions:
Aortic aneurysm, familial thoracic 4 (AAT4). Also called: AORTIC ANEURYSM/AORTIC DISSECTION AND PATENT DUCTUS ARTERIOSUS. Identifiers: MedGen C1851504, MONDO:0007568, OMIM 132900.

Allele frequency attached by ClinVar (database versions not stated): gnomAD 0.00001.
gnomAD v4.1: 1 of 1,613,724 alleles (0.000062%); highest among the groups gnomAD compares: Non-Finnish European, 0.000085%; no homozygotes.

Submission:

Labcorp Genetics (formerly Invitae), Labcorp
Classification: Pathogenic for Aortic aneurysm, familial thoracic 4. Last evaluated: 2022-03-24. Review status: criteria provided, single submitter. Criteria: Invitae Variant Classification Sherloc (09022015). Collection method: clinical testing. Allele origin: germline.
Comment: For these reasons, this variant has been classified as Pathogenic. This variant has not been reported in the literature in individuals affected with MYH11-related conditions. This variant is not present in population databases (gnomAD no frequency). This sequence change creates a premature translational stop signal (p.Glu349*) in the MYH11 gene. It is expected to result in an absent or disrupted protein product. Loss-of-function variants in MYH11 are known to be pathogenic (PMID: 25407000, 29575632).

Literature cited by the submitters: PubMed 25407000; PubMed 29575632.

NM_002474.3(MYH11):c.1024G>T (p.Glu342Ter)

Gene: MYH11 (myosin heavy chain 11; minus strand). Cytogenetic location: 16p13.11.
Variant type: single nucleotide variant.
Coding change: c.1024G>T on transcript NM_002474.3 (MANE Select); coding-DNA position 1024, G replaced by T.
Protein change: p.Glu342Ter; replaces glutamic acid 342 with a stop codon.
Molecular consequence: nonsense.
Genome position (GRCh38, 1-based): chr16:15,771,578, C>A on the plus strand (G>T on the coding strand, the complement: MYH11 is on the minus strand). VCF-style: chr16-15771578-C-A. GRCh37 (hg19) VCF-style: chr16-15865435-C-A.
Other names: c.1045G>T, p.Glu349Ter (NM_001040113.2, NM_001040114.2); c.1024G>T, p.Glu342Ter (NM_022844.3); short protein forms E342*, E349*.
Identifiers: ClinVar variation 2115671 (VCV002115671.4), dbSNP rs911589242, ClinGen allele CA394867516.
Genomic context (GRCh38, chr16:15,771,578, plus strand): 5'-TCCACTGGTATCCAGGCAAGCTACCCTCCAGACTCAAGGTGTGAGGCTTACATAGCTGCT[C>A]CTCCTCGCTGAAACCCATGATTGCCATGGCCTCCACGGTTTCCTGGAACATCTCATCATC-3'